The following is an entry in ClinVar:

NM_002979.5(SCP2):c.712A>T (p.Ser238Cys)

Gene: SCP2 (sterol carrier protein 2; plus strand). Cytogenetic location: 1p32.3.
Variant type: single nucleotide variant.
Coding change: c.712A>T on transcript NM_002979.5 (MANE Select); coding-DNA position 712, A replaced by T.
Protein change: p.Ser238Cys; replaces serine 238 with cysteine.
Molecular consequence: missense variant.
Genome position (GRCh38, 1-based): chr1:52,978,254, A>T. VCF-style: chr1-52978254-A-T. GRCh37 (hg19) VCF-style: chr1-53443926-A-T.
Other names: c.580A>T, p.Ser194Cys (NM_001007098.3, NM_001193600.2); c.640A>T, p.Ser214Cys (NM_001193599.2); c.469A>T, p.Ser157Cys (NM_001193617.2); c.712A>T, p.Ser238Cys (NM_001330587.2); c.712A>T (NM_002979.4); short protein forms S238C, S157C, S194C, S214C.
Identifiers: ClinVar variation 1515549 (VCV001515549.4), dbSNP rs1170093685, ClinGen allele CA340381251.

ClinVar aggregate classification (germline): Uncertain significance. Review status: criteria provided, multiple submitters, no conflicts (2 of 4 stars). 2 submissions from 2 submitters: Uncertain significance (2). Last evaluated 2025-11-26.

Conditions:
SCP2-related disorder. Also called: SCP2-related condition.

Allele frequency attached by ClinVar (database versions not stated): gnomAD exomes below 0.00001 and 0.00001; TOPMed below 0.00001.
gnomAD v4.1: 14 of 1,614,066 alleles (0.00087%); highest among the groups gnomAD compares: Middle Eastern, 0.017%; no homozygotes.

Submissions (2):

PreventionGenetics, part of Exact Sciences
Classification: Uncertain significance for SCP2-related condition. Last evaluated: 2025-11-26. Review status: criteria provided, single submitter. Criteria: ACMG Guidelines, 2015. Collection method: clinical testing. Allele origin: germline.
Comment: The SCP2 c.712A>T variant is predicted to result in the amino acid substitution p.Ser238Cys. To our knowledge, this variant has not been reported in the literature. This variant is reported in 0.00088% of alleles in individuals of European (Non-Finnish) descent in gnomAD. At this time, the clinical significance of this variant is uncertain due to the absence of conclusive functional and genetic evidence.

Labcorp Genetics (formerly Invitae), Labcorp
Classification: Uncertain significance. Last evaluated: 2022-07-25. Review status: criteria provided, single submitter. Criteria: Invitae Variant Classification Sherloc (09022015). Collection method: clinical testing. Allele origin: germline.
Comment: This sequence change replaces serine, which is neutral and polar, with cysteine, which is neutral and slightly polar, at codon 238 of the SCP2 protein (p.Ser238Cys). This variant is present in population databases (no rsID available, gnomAD 0.0009%). This variant has not been reported in the literature in individuals affected with SCP2-related conditions. ClinVar contains an entry for this variant (Variation ID: 1515549). Algorithms developed to predict the effect of missense changes on protein structure and function (SIFT, PolyPhen-2, Align-GVGD) all suggest that this variant is likely to be disruptive. In summary, the available evidence is currently insufficient to determine the role of this variant in disease. Therefore, it has been classified as a Variant of Uncertain Significance.